The following is an entry in ClinVar:

ClinVar aggregate classification (germline): Uncertain significance (1 of 4 stars; one submission).

Conditions:
Cardiovascular phenotype. Identifiers: MedGen CN230736.

gnomAD v4.1: 2 of 1,582,920 alleles (0.00013%); highest among the groups gnomAD compares: South Asian, 0.0022%; no homozygotes.

Submission:

Ambry Genetics
Classification: Uncertain significance for Cardiovascular phenotype. Last evaluated: 2025-01-04. Review status: criteria provided, single submitter. Criteria: Ambry Variant Classification Scheme 2023. Collection method: clinical testing. Allele origin: germline.
Comment: The p.I790V variant (also known as c.2368A>G), located in coding exon 29 of the CACNA2D1 gene, results from an A to G substitution at nucleotide position 2368. The isoleucine at codon 790 is replaced by valine, an amino acid with highly similar properties. This amino acid position is conserved. In addition, this alteration is predicted to be tolerated by in silico analysis. Based on the available evidence, the clinical significance of this variant remains unclear.

NM_000722.4(CACNA2D1):c.2368A>G (p.Ile790Val)

Gene: CACNA2D1 (calcium voltage-gated channel auxiliary subunit alpha2delta 1; minus strand). Cytogenetic location: 7q21.11.
Variant type: single nucleotide variant.
Coding change: c.2368A>G on transcript NM_000722.4 (MANE Select); coding-DNA position 2368, A replaced by G.
Protein change: p.Ile790Val; replaces isoleucine 790 with valine.
Molecular consequence: missense variant.
Genome position (GRCh38, 1-based): chr7:81,968,914, T>C on the plus strand (A>G on the coding strand, the complement: CACNA2D1 is on the minus strand). VCF-style: chr7-81968914-T-C. GRCh37 (hg19) VCF-style: chr7-81598230-T-C.
Other names: c.2404A>G, p.Ile802Val (NM_001366867.1); short protein forms I802V, I790V.
Identifiers: ClinVar variation 3826694 (VCV003826694.1).